The following is an entry in ClinVar:

NM_005859.5(PURA):c.279G>C (p.Ala93=)

Gene: PURA (purine rich element binding protein A; plus strand). Cytogenetic location: 5q31.3.
Variant type: single nucleotide variant.
Coding change: c.279G>C on transcript NM_005859.5 (MANE Select); coding-DNA position 279, G replaced by C.
Protein change: p.Ala93=; no amino-acid change (alanine 93 retained).
Molecular consequence: synonymous variant.
Genome position (GRCh38, 1-based): chr5:140,114,460, G>C. VCF-style: chr5-140114460-G-C. GRCh37 (hg19) VCF-style: chr5-139494045-G-C.
Identifiers: ClinVar variation 4808567 (VCV004808567.1).
Genomic context (GRCh38, chr5:140,114,460, plus strand): 5'-CTACCTGGACGTGAAGCAGAACGCCAAGGGCCGCTTCCTGAAGATCGCCGAGGTGGGCGC[G>C]GGCGGCAACAAGAGCCGCCTTACTCTCTCCATGTCAGTGGCCGTGGAGTTCCGCGACTAC-3'
Protein context (NP_005850.1, residues 83-103): GRFLKIAEVG[Ala93=]GGNKSRLTLS

ClinVar aggregate classification (germline): Uncertain significance (1 of 4 stars; one submission).

Conditions:
PURA-related severe neonatal hypotonia-seizures-encephalopathy syndrome (NEDRIHF). Also called: NEURODEVELOPMENTAL DISORDER WITH NEONATAL RESPIRATORY INSUFFICIENCY, HYPOTONIA, AND FEEDING DIFFICULTIES; PURA-Related Neurodevelopmental Disorders. Identifiers: Orphanet 438213, Orphanet 438216, MedGen C4015357, MONDO:1060108, OMIM 616158, MONDO:0018580.

Submission:

Labcorp Genetics (formerly Invitae), Labcorp
Classification: Uncertain significance for PURA-related severe neonatal hypotonia-seizures-encephalopathy syndrome. Last evaluated: 2025-10-11. Review status: criteria provided, single submitter. Criteria: Invitae Variant Classification Sherloc (09022015). Collection method: clinical testing. Allele origin: germline.
Comment: This sequence change affects codon 93 of the PURA mRNA. It is a 'silent' change, meaning that it does not change the encoded amino acid sequence of the PURA protein. This variant is present in population databases (no rsID available, gnomAD 0.003%). This variant has not been reported in the literature in individuals affected with PURA-related conditions. In summary, the available evidence is currently insufficient to determine the role of this variant in disease. Therefore, it has been classified as a Variant of Uncertain Significance.